The following is an entry in ClinVar:

ClinVar aggregate classification (germline): Pathogenic (1 of 4 stars; one submission).

Submission:

Labcorp Genetics (formerly Invitae), Labcorp
Classification: Pathogenic. Last evaluated: 2025-11-27. Review status: criteria provided, single submitter. Criteria: Invitae Variant Classification Sherloc (09022015). Collection method: clinical testing. Allele origin: germline.
Comment: This sequence change creates a premature translational stop signal (p.Gly661*) in the LZTR1 gene. It is expected to result in an absent or disrupted protein product. Loss-of-function variants in LZTR1 are known to be pathogenic (PMID: 24362817, 25335493, 25480913, 25795793, 29469822, 30368668, 30442762, 30442766, 30481304, 30859559). This variant is not present in population databases (gnomAD no frequency). This variant has not been reported in the literature in individuals affected with LZTR1-related conditions. For these reasons, this variant has been classified as Pathogenic.

Literature cited by the submitters: PubMed 24362817; PubMed 25335493; PubMed 25480913; PubMed 25795793; PubMed 29469822; PubMed 30368668; PubMed 30442762; PubMed 30442766; PubMed 30481304; PubMed 30859559.

NM_006767.4(LZTR1):c.1981G>T (p.Gly661Ter)

Gene: LZTR1 (leucine zipper like post translational regulator 1; plus strand). Cytogenetic location: 22q11.21.
Variant type: single nucleotide variant.
Coding change: c.1981G>T on transcript NM_006767.4 (MANE Select); coding-DNA position 1981, G replaced by T.
Protein change: p.Gly661Ter; replaces glycine 661 with a stop codon.
Molecular consequence: nonsense.
Genome position (GRCh38, 1-based): chr22:20,995,784, G>T. VCF-style: chr22-20995784-G-T. GRCh37 (hg19) VCF-style: chr22-21350073-G-T.
Other names: short protein forms G661*.
Identifiers: ClinVar variation 4738795 (VCV004738795.1).